The following is an entry in ClinVar:

NM_001103.4(ACTN2):c.1839+4G>C

Gene: ACTN2 (actinin alpha 2; plus strand). Cytogenetic location: 1q43.
Variant type: single nucleotide variant.
Coding change: c.1839+4G>C on transcript NM_001103.4 (MANE Select); 4 bases into the intron after coding-DNA position 1839, G replaced by C.
Molecular consequence: intron variant.
Genome position (GRCh38, 1-based): chr1:236,751,656, G>C. VCF-style: chr1-236751656-G-C. GRCh37 (hg19) VCF-style: chr1-236914956-G-C.
Other names: c.1839+4G>C (NM_001278343.2).
Identifiers: ClinVar variation 2926835 (VCV002926835.2), dbSNP rs2527636846, ClinGen allele CA2651181568.

ClinVar aggregate classification (germline): Uncertain significance (1 of 4 stars; one submission).

Conditions:
Dilated cardiomyopathy 1AA (CMD1AA). Also called: CARDIOMYOPATHY, DILATED, 1AA, WITH OR WITHOUT LEFT VENTRICULAR NONCOMPACTION; CARDIOMYOPATHY, FAMILIAL HYPERTROPHIC, 23, WITH OR WITHOUT LEFT VENTRICULAR NONCOMPACTION; Cardiomyopathy, dilated, 1AA, with or without LVNC. Identifiers: Orphanet 154, MedGen C2677338, MONDO:0012808, OMIM 612158.
Primary familial hypertrophic cardiomyopathy (HCM). Identifiers: Orphanet 99739, MedGen C0949658, MeSH D024741, MONDO:0024573. Inheritance: Various modes of inheritance.

Allele frequency attached by ClinVar (database versions not stated): gnomAD exomes below 0.00001.
gnomAD v4.1: 1 of 1,613,916 alleles (0.000062%); highest among the groups gnomAD compares: Non-Finnish European, 0.000085%; no homozygotes.

Submission:

Labcorp Genetics (formerly Invitae), Labcorp
Classification: Uncertain significance for Primary familial hypertrophic cardiomyopathy; Dilated cardiomyopathy 1AA. Last evaluated: 2023-08-28. Review status: criteria provided, single submitter. Criteria: Invitae Variant Classification Sherloc (09022015). Collection method: clinical testing. Allele origin: germline.
Comment: This variant is not present in population databases (gnomAD no frequency). This sequence change falls in intron 15 of the ACTN2 gene. It does not directly change the encoded amino acid sequence of the ACTN2 protein. It affects a nucleotide within the consensus splice site. This variant has not been reported in the literature in individuals affected with ACTN2-related conditions. In summary, the available evidence is currently insufficient to determine the role of this variant in disease. Therefore, it has been classified as a Variant of Uncertain Significance. Variants that disrupt the consensus splice site are a relatively common cause of aberrant splicing (PMID: 17576681, 9536098). Algorithms developed to predict the effect of sequence changes on RNA splicing suggest that this variant is not likely to affect RNA splicing.

Literature cited by the submitters: PubMed 17576681; PubMed 9536098.